The following is an entry in ClinVar:

ClinVar aggregate classification (germline): Uncertain significance. Review status: criteria provided, multiple submitters, no conflicts (2 of 4 stars). 3 submissions from 3 submitters: Uncertain significance (3). Last evaluated 2026-01-22.

Conditions:
Hermansky-Pudlak syndrome (HPS). Also called: ALBINISM WITH HEMORRHAGIC DIATHESIS AND PIGMENTED RETICULOENDOTHELIAL CELLS. Identifiers: Orphanet 79430, MedGen C0079504, MONDO:0019312.

Allele frequency attached by ClinVar (database versions not stated): gnomAD exomes below 0.00001 and 0.00001; ExAC 0.00001; gnomAD 0.00001.
gnomAD v4.1: 5 of 1,613,698 alleles (0.00031%); highest among the groups gnomAD compares: East Asian, 0.0022%; no homozygotes.

Submissions (3):

Labcorp Genetics (formerly Invitae), Labcorp
Classification: Uncertain significance. Last evaluated: 2026-01-22. Review status: criteria provided, single submitter. Criteria: Invitae Variant Classification Sherloc (09022015). Collection method: clinical testing. Allele origin: germline.
Comment: This sequence change replaces glutamic acid, which is acidic and polar, with lysine, which is basic and polar, at codon 666 of the HPS1 protein (p.Glu666Lys). This variant is present in population databases (rs121908385, gnomAD 0.007%). This missense change has been observed in individual(s) with Hermansky-Pudlak syndrome (PMID: 31723912). ClinVar contains an entry for this variant (Variation ID: 1341376). Invitae Evidence Modeling of protein sequence and biophysical properties (such as structural, functional, and spatial information, amino acid conservation, physicochemical variation, residue mobility, and thermodynamic stability) has been performed for this missense variant. However, the output from this modeling did not meet the statistical confidence thresholds required to predict the impact of this variant on HPS1 protein function. Experimental studies have shown that this missense change does not substantially affect HPS1 function (PMID: 23103514). In summary, the available evidence is currently insufficient to determine the role of this variant in disease. Therefore, it has been classified as a Variant of Uncertain Significance.

Women's Health and Genetics/Laboratory Corporation of America, LabCorp
Classification: Uncertain significance. Last evaluated: 2025-09-16. Review status: criteria provided, single submitter. Criteria: LabCorp Variant Classification Summary - May 2015. Collection method: clinical testing. Allele origin: germline.
Comment: Variant summary: HPS1 c.1996G>A (p.Glu666Lys) results in a conservative amino acid change in the encoded protein sequence. Algorithms developed to predict the effect of missense changes on protein structure and function are either unavailable or do not agree on the potential impact of this missense change. The variant allele was found at a frequency of 8e-06 in 248814 control chromosomes. The available data on variant occurrences in the general population are insufficient to allow any conclusion about variant significance. c.1996G>A has been observed in individual(s) affected with Hermansky-Pudlak syndrome (HPS) (example: Sim_2019). These data do not allow any conclusion about variant significance. To our knowledge, no experimental evidence demonstrating an impact on protein function has been reported. The following publication has been ascertained in the context of this evaluation (PMID: 31723912). ClinVar contains an entry for this variant (Variation ID: 1341376). Based on the evidence outlined above, the variant was classified as uncertain significance.

Broad Center for Mendelian Genomics, Broad Institute of MIT and Harvard
Classification: Uncertain significance for Hermansky-Pudlak syndrome. Last evaluated: 2021-11-29. Review status: criteria provided, single submitter. Criteria: ACMG Guidelines, 2015. Collection method: curation. Allele origin: germline. Inheritance: Autosomal recessive inheritance.
Comment: The p.Glu666Lys variant in HPS1 has been reported in 1 individual with Hermansky-Pudlak syndrome (PMID: 31723912) and has been identified in 0.006% (1/16198) of African/African-American chromosomes by the Genome Aggregation Database (gnomAD; dbSNP ID: rs121908385). Although this variant has been seen in the general population in a heterozygous state, its frequency is low enough to be consistent with a recessive carrier frequency. In vitro functional studies provide some evidence that the p.Glu666Lys variant may not impact protein function (PMID: 23103514). However, these types of assays may not accurately represent biological function. Computational prediction tools and conservation analyses do not provide strong support for or against an impact to the protein. In summary, the clinical significance of the p.Glu666Lys variant is uncertain. ACMG/AMP Criteria applied: PM2_supporting , BS3_supporting (Richards 2015).

Literature cited by the submitters: PubMed 31723912 (cited by Labcorp Genetics (formerly Invitae), Labcorp and Women's Health and Genetics/Laboratory Corporation of America, LabCorp); PubMed 23103514 (cited by Labcorp Genetics (formerly Invitae), Labcorp and Broad Center for Mendelian Genomics, Broad Institute of MIT and Harvard).

NM_000195.5(HPS1):c.1996G>A (p.Glu666Lys)

Gene: HPS1 (HPS1 biogenesis of lysosomal organelles complex 3 subunit 1; minus strand). Cytogenetic location: 10q24.2.
Variant type: single nucleotide variant.
Coding change: c.1996G>A on transcript NM_000195.5 (MANE Select); coding-DNA position 1996, G replaced by A.
Protein change: p.Glu666Lys; replaces glutamic acid 666 with lysine.
Molecular consequence: missense variant.
Genome position (GRCh38, 1-based): chr10:98,417,671, C>T on the plus strand (G>A on the coding strand, the complement: HPS1 is on the minus strand). VCF-style: chr10-98417671-C-T. GRCh37 (hg19) VCF-style: chr10-100177428-C-T.
Other names: NM_001322489.2:c.1024G>A; c.1024G>A, p.Glu342Lys (NM_001311345.2, NM_001322487.2, NM_001322489.2); c.1996G>A, p.Glu666Lys (NM_001322476.2, NM_001322477.2); c.1897G>A, p.Glu633Lys (NM_001322478.2, NM_001322479.2); c.1735G>A, p.Glu579Lys (NM_001322480.2, NM_001322481.2); c.1636G>A, p.Glu546Lys (NM_001322482.2); c.1627G>A, p.Glu543Lys (NM_001322483.2, NM_001322484.2); c.1528G>A, p.Glu510Lys (NM_001322485.2); short protein forms E342K, E510K, E543K, E546K, E579K, E633K, E666K.
Identifiers: ClinVar variation 1341376 (VCV001341376.3), dbSNP rs121908385, ClinGen allele CA5638803.